The following is an entry in ClinVar:

ClinVar aggregate classification (germline): Uncertain significance. Review status: criteria provided, multiple submitters, no conflicts (2 of 4 stars). 3 submissions from 3 submitters: Uncertain significance (3). Last evaluated 2026-03-15.

Conditions:
Hereditary cancer-predisposing syndrome. Also called: Neoplastic Syndromes, Hereditary; Tumor predisposition; Hereditary Cancer Syndrome; Hereditary neoplastic syndrome. Identifiers: Orphanet 140162, MedGen C0027672, MeSH D009386, MONDO:0015356.
Birt-Hogg-Dube syndrome 1 (BHD1). Also called: FIBROFOLLICULOMAS WITH TRICHODISCOMAS AND ACROCHORDONS. Identifiers: Orphanet 122, MedGen CN375946, MONDO:0800445, OMIM 135150.
Birt-Hogg-Dube syndrome. Also called: Birt Hogg Dubé syndrome. Identifiers: Orphanet 122, MedGen C0346010, MONDO:0800444.

Submissions (3):

Ambry Genetics
Classification: Uncertain significance for Hereditary cancer-predisposing syndrome. Last evaluated: 2026-03-15. Review status: criteria provided, single submitter. Criteria: Ambry Variant Classification Scheme 2023. Collection method: clinical testing. Allele origin: germline.
Comment: The p.P28A variant (also known as c.82C>G), located in coding exon 1 of the FLCN gene, results from a C to G substitution at nucleotide position 82. The proline at codon 28 is replaced by alanine, an amino acid with highly similar properties. This amino acid position is conserved. In addition, this alteration is predicted to be deleterious by in silico analysis. Based on the available evidence, the clinical significance of this variant remains unclear.

Baylor Genetics
Classification: Uncertain significance for Birt-Hogg-Dube syndrome 1. Last evaluated: 2024-03-28. Review status: criteria provided, single submitter. Criteria: ACMG Guidelines, 2015. Collection method: clinical testing. Allele origin: unknown.

Labcorp Genetics (formerly Invitae), Labcorp
Classification: Uncertain significance for Birt-Hogg-Dube syndrome. Last evaluated: 2021-04-30. Review status: criteria provided, single submitter. Criteria: Invitae Variant Classification Sherloc (09022015). Collection method: clinical testing. Allele origin: germline.
Comment: In summary, the available evidence is currently insufficient to determine the role of this variant in disease. Therefore, it has been classified as a Variant of Uncertain Significance. Algorithms developed to predict the effect of missense changes on protein structure and function (SIFT, PolyPhen-2, Align-GVGD) all suggest that this variant is likely to be tolerated, but these predictions have not been confirmed by published functional studies and their clinical significance is uncertain. This variant has not been reported in the literature in individuals with FLCN-related conditions. This variant is not present in population databases (ExAC no frequency). This sequence change replaces proline with alanine at codon 28 of the FLCN protein (p.Pro28Ala). The proline residue is moderately conserved and there is a small physicochemical difference between proline and alanine.

NM_144997.7(FLCN):c.82C>G (p.Pro28Ala)

Gene: FLCN (folliculin; minus strand). Cytogenetic location: 17p11.2.
Variant type: single nucleotide variant.
Coding change: c.82C>G on transcript NM_144997.7 (MANE Select); coding-DNA position 82, C replaced by G.
Protein change: p.Pro28Ala; replaces proline 28 with alanine.
Molecular consequence: missense variant.
Genome position (GRCh38, 1-based): chr17:17,228,056, G>C on the plus strand (C>G on the coding strand, the complement: FLCN is on the minus strand). VCF-style: chr17-17228056-G-C. GRCh37 (hg19) VCF-style: chr17-17131370-G-C.
Other names: c.82C>G, p.Pro28Ala (NM_001353229.2, NM_001353230.2, NM_001353231.2 and 1 more transcripts); c.82C>G (NM_144997.5); short protein forms P28A.
Identifiers: ClinVar variation 1371599 (VCV001371599.10), dbSNP rs749758787, ClinGen allele CA288320764.